The following is an entry in ClinVar:

ClinVar aggregate classification (germline): Uncertain significance (1 of 4 stars; one submission).

Conditions:
Beckwith-Wiedemann syndrome (BWS). Also called: Exomphalos macroglossia gigantism syndrome; EMG SYNDROME. Identifiers: Orphanet 116, MedGen C0004903, MONDO:0007534, OMIM 130650.

Submission:

Labcorp Genetics (formerly Invitae), Labcorp
Classification: Uncertain significance for Beckwith-Wiedemann syndrome. Last evaluated: 2019-09-02. Review status: criteria provided, single submitter. Criteria: Invitae Variant Classification Sherloc (09022015). Collection method: clinical testing. Allele origin: germline.
Comment: This sequence change replaces valine with leucine at codon 111 of the CDKN1C protein (p.Val111Leu). The valine residue is weakly conserved and there is a small physicochemical difference between valine and leucine. The frequency data for this variant in the population databases is considered unreliable, as metrics indicate insufficient coverage at this position in the ExAC database. In summary, the available evidence is currently insufficient to determine the role of this variant in disease. Therefore, it has been classified as a Variant of Uncertain Significance. Algorithms developed to predict the effect of missense changes on protein structure and function (SIFT, PolyPhen-2, Align-GVGD) all suggest that this variant is likely to be tolerated, but these predictions have not been confirmed by published functional studies and their clinical significance is uncertain. This variant has not been reported in the literature in individuals with CDKN1C-related conditions.

NM_001122630.2(CDKN1C):c.298G>C (p.Val100Leu)

Gene: CDKN1C (cyclin dependent kinase inhibitor 1C; minus strand). Cytogenetic location: 11p15.4.
Variant type: single nucleotide variant.
Coding change: c.298G>C on transcript NM_001122630.2 (MANE Select); coding-DNA position 298, G replaced by C.
Protein change: p.Val100Leu; replaces valine 100 with leucine.
Molecular consequence: missense variant. On other transcripts: intron variant (1).
Genome position (GRCh38, 1-based): chr11:2,885,159, C>G on the plus strand (G>C on the coding strand, the complement: CDKN1C is on the minus strand). VCF-style: chr11-2885159-C-G. GRCh37 (hg19) VCF-style: chr11-2906389-C-G.
Other names: c.331G>C, p.Val111Leu (NM_000076.2, NM_001362474.2); c.298G>C, p.Val100Leu (NM_001122631.2); c.255+43G>C (NM_001362475.2); short protein forms V111L, V100L.
Identifiers: ClinVar variation 938574 (VCV000938574.9), dbSNP rs1848965261, ClinGen allele CA379146918.